The following is an entry in ClinVar:

ClinVar aggregate classification (germline): Pathogenic (1 of 4 stars; one submission).

Conditions:
Hypertrophic cardiomyopathy. Also called: HYPERTROPHIC MYOCARDIOPATHY. Identifiers: Orphanet 217569, MedGen C0007194, MeSH D002312, MONDO:0005045, HP:0001639.

Submission:

Labcorp Genetics (formerly Invitae), Labcorp
Classification: Pathogenic for Hypertrophic cardiomyopathy. Last evaluated: 2023-07-08. Review status: criteria provided, single submitter. Criteria: Invitae Variant Classification Sherloc (09022015). Collection method: clinical testing. Allele origin: germline.
Comment: This variant is found within a region of MYH7 between codons 181 and 937 that contains the majority of the myosin head domain. Missense variants in this region have been shown to be significantly overrepresented in individuals with hypertrophic cardiomyopathy (PMID: 27532257). For these reasons, this variant has been classified as Pathogenic. Advanced modeling of protein sequence and biophysical properties (such as structural, functional, and spatial information, amino acid conservation, physicochemical variation, residue mobility, and thermodynamic stability) performed at Invitae indicates that this missense variant is expected to disrupt MYH7 protein function. ClinVar contains an entry for this variant (Variation ID: 525035). This missense change has been observed in individual(s) with MYH7-related condition (Invitae). In at least one individual the variant was observed to be de novo. This variant is not present in population databases (gnomAD no frequency). This sequence change replaces leucine, which is neutral and non-polar, with proline, which is neutral and non-polar, at codon 804 of the MYH7 protein (p.Leu804Pro).

Literature cited by the submitters: PubMed 27532257.

NM_000257.4(MYH7):c.2411T>C (p.Leu804Pro)

Genes: MYH7 (myosin heavy chain 7; minus strand), LOC126861898 (BRD4-independent group 4 enhancer GRCh37_chr14:23893609-23894808; plus strand). Cytogenetic location: 14q11.2.
Variant type: single nucleotide variant.
Coding change: c.2411T>C on transcript NM_000257.4 (MANE Select); coding-DNA position 2411, T replaced by C.
Protein change: p.Leu804Pro; replaces leucine 804 with proline.
Molecular consequence: missense variant.
Genome position (GRCh38, 1-based): chr14:23,425,294, A>G on the plus strand (T>C on the coding strand, the complement: MYH7 is on the minus strand). VCF-style: chr14-23425294-A-G. GRCh37 (hg19) VCF-style: chr14-23894503-A-G.
Other names: short protein forms L804P.
Identifiers: ClinVar variation 525035 (VCV000525035.9), dbSNP rs1555337794, ClinGen allele CA389048470.